The following is an entry in ClinVar:

NM_017882.3(CLN6):c.794C>T (p.Ser265Phe)

Gene: CLN6 (CLN6 transmembrane ER protein; minus strand). Cytogenetic location: 15q23.
Variant type: single nucleotide variant.
Coding change: c.794C>T on transcript NM_017882.3 (MANE Select); coding-DNA position 794, C replaced by T.
Protein change: p.Ser265Phe; replaces serine 265 with phenylalanine.
Molecular consequence: missense variant.
Genome position (GRCh38, 1-based): chr15:68,208,282, G>A on the plus strand (C>T on the coding strand, the complement: CLN6 is on the minus strand). VCF-style: chr15-68208282-G-A. GRCh37 (hg19) VCF-style: chr15-68500620-G-A.
Other names: short protein forms S265F.
Identifiers: ClinVar variation 1393090 (VCV001393090.5), dbSNP rs771007065, ClinGen allele CA7630471.

ClinVar aggregate classification (germline): Uncertain significance (1 of 4 stars; one submission).

Conditions:
Neuronal ceroid lipofuscinosis. Also called: Neuronal Ceroid Lipofuscinoses. Identifiers: Orphanet 216, Orphanet 79263, MedGen C0027877, MONDO:0016295. Disease mechanism: loss of function.

Allele frequency attached by ClinVar (database versions not stated): ExAC 0.00001; gnomAD exomes 0.00001.
gnomAD v4.1: 9 of 1,614,146 alleles (0.00056%); highest among the groups gnomAD compares: Admixed American, 0.0017%; no homozygotes.

Submission:

Labcorp Genetics (formerly Invitae), Labcorp
Classification: Uncertain significance for Neuronal ceroid lipofuscinosis. Last evaluated: 2021-09-24. Review status: criteria provided, single submitter. Criteria: Invitae Variant Classification Sherloc (09022015). Collection method: clinical testing. Allele origin: germline.
Comment: This sequence change replaces serine with phenylalanine at codon 265 of the CLN6 protein (p.Ser265Phe). The serine residue is highly conserved and there is a large physicochemical difference between serine and phenylalanine. This variant is present in population databases (rs771007065, ExAC 0.002%). This variant has not been reported in the literature in individuals with CLN6-related conditions. Algorithms developed to predict the effect of missense changes on protein structure and function are either unavailable or do not agree on the potential impact of this missense change (SIFT: "Deleterious"; PolyPhen-2: "Possibly Damaging"; Align-GVGD: "Class C15"). In summary, the available evidence is currently insufficient to determine the role of this variant in disease. Therefore, it has been classified as a Variant of Uncertain Significance.